The following is an entry in ClinVar:

NM_015100.4(POGZ):c.3350del (p.Leu1117fs)

Gene: POGZ (pogo transposable element derived with ZNF domain; minus strand). Cytogenetic location: 1q21.3.
Variant type: Deletion.
Coding change: c.3350del on transcript NM_015100.4 (MANE Select); coding-DNA position 3350, one base deleted (T; older notation c.3350delT).
Protein change: p.Leu1117fs; shifts the reading frame from leucine 1117.
Molecular consequence: frameshift variant.
Genome position (GRCh38, 1-based): chr1:151,405,685, A deleted on the plus strand (T on the coding strand, the reverse complement: POGZ is on the minus strand); the first of 2 consecutive A bases (chr1:151,405,685-151,405,686); deleting either gives the same sequence. VCF-style (leftmost placement, unchanged base first): chr1-151405684-TA-T. GRCh37 (hg19) VCF-style: chr1-151378160-TA-T.
Other names: c.3323del, p.Leu1108fs (NM_001194937.2); c.3164del, p.Leu1055fs (NM_001194938.2); c.3065del, p.Leu1022fs (NM_145796.4); c.3191del, p.Leu1064fs (NM_207171.2); short protein forms L1022fs, L1108fs, L1117fs, L1055fs, L1064fs.
Identifiers: ClinVar variation 545951 (VCV000545951.2), dbSNP rs1553212204, ClinGen allele CA658821139.

ClinVar aggregate classification (germline): Likely pathogenic (1 of 4 stars; one submission).

Submission:

GeneDx
Classification: Likely pathogenic. Last evaluated: 2018-05-16. Review status: criteria provided, single submitter. Criteria: GeneDx Variant Classification (06012015). Collection method: clinical testing. Allele origin: germline. Affected: yes.
Comment: The c.3350delT variant in the POGZ gene has not been reported previously as a pathogenic variant nor as a benign variant, to our knowledge. The c.3350delT variant causes a frameshift starting with codon Leucine 1117, changes this amino acid to a Tyrosine residue, and creates a premature Stop codon at position 5 of the new reading frame, denoted p.Leu1117TyrfsX5. This variant is predicted to cause loss of normal protein function through protein truncation, as the last 294 correct amino acids are replaced by 4 incorrect amino acids. The c.3350delT variant is not observed in large population cohorts (Lek et al., 2016). We interpret c.3350delT as a likely pathogenic variant.